The following is an entry in ClinVar:

ClinVar aggregate classification (germline): Uncertain significance (1 of 4 stars; one submission).

Conditions:
Cardiovascular phenotype. Identifiers: MedGen CN230736.

Allele frequency attached by ClinVar (database versions not stated): gnomAD exomes below 0.00001; TOPMed below 0.00001.

Submission:

Ambry Genetics
Classification: Uncertain significance for Cardiovascular phenotype. Last evaluated: 2021-06-25. Review status: criteria provided, single submitter. Criteria: Ambry Variant Classification Scheme 2023. Collection method: clinical testing. Allele origin: germline.
Comment: The p.L71V variant (also known as c.211C>G), located in coding exon 3 of the GPIHBP1 gene, results from a C to G substitution at nucleotide position 211. The leucine at codon 71 is replaced by valine, an amino acid with highly similar properties. This amino acid position is conserved. In addition, this alteration is predicted to be tolerated by in silico analysis. Since supporting evidence is limited at this time, the clinical significance of this alteration remains unclear.

NM_178172.6(GPIHBP1):c.211C>G (p.Leu71Val)

Gene: GPIHBP1 (glycosylphosphatidylinositol anchored high density lipoprotein binding protein 1; plus strand). Cytogenetic location: 8q24.3.
Variant type: single nucleotide variant.
Coding change: c.211C>G on transcript NM_178172.6 (MANE Select); coding-DNA position 211, C replaced by G.
Protein change: p.Leu71Val; replaces leucine 71 with valine.
Molecular consequence: missense variant.
Genome position (GRCh38, 1-based): chr8:143,215,042, C>G. VCF-style: chr8-143215042-C-G. GRCh37 (hg19) VCF-style: chr8-144296917-C-G.
Other names: c.211C>G, p.Leu71Val (NM_001301772.2); short protein forms L71V.
Identifiers: ClinVar variation 1786222 (VCV001786222.2), dbSNP rs1365426277, ClinGen allele CA372402001.